The following is an entry in ClinVar:

ClinVar aggregate classification (germline): Uncertain significance (1 of 4 stars; one submission).

Conditions:
Dyskeratosis congenita, autosomal recessive 1. Identifiers: Orphanet 1775, MedGen C1857144, MONDO:0009136, OMIM 224230.

Submission:

Labcorp Genetics (formerly Invitae), Labcorp
Classification: Uncertain significance for Dyskeratosis congenita, autosomal recessive 1. Last evaluated: 2022-09-24. Review status: criteria provided, single submitter. Criteria: Invitae Variant Classification Sherloc (09022015). Collection method: clinical testing. Allele origin: germline.
Comment: This sequence change replaces histidine, which is basic and polar, with tyrosine, which is neutral and polar, at codon 31 of the NOP10 protein (p.His31Tyr). This variant is not present in population databases (gnomAD no frequency). This variant has not been reported in the literature in individuals affected with NOP10-related conditions. Algorithms developed to predict the effect of missense changes on protein structure and function are either unavailable or do not agree on the potential impact of this missense change (SIFT: "Deleterious"; PolyPhen-2: "Benign"; Align-GVGD: "Class C65"). In summary, the available evidence is currently insufficient to determine the role of this variant in disease. Therefore, it has been classified as a Variant of Uncertain Significance.

NM_018648.4(NOP10):c.91C>T (p.His31Tyr)

Gene: NOP10 (NOP10 ribonucleoprotein; minus strand). Cytogenetic location: 15q14.
Variant type: single nucleotide variant.
Coding change: c.91C>T on transcript NM_018648.4 (MANE Select); coding-DNA position 91, C replaced by T.
Protein change: p.His31Tyr; replaces histidine 31 with tyrosine.
Molecular consequence: missense variant.
Genome position (GRCh38, 1-based): chr15:34,342,072, G>A on the plus strand (C>T on the coding strand, the complement: NOP10 is on the minus strand). VCF-style: chr15-34342072-G-A. GRCh37 (hg19) VCF-style: chr15-34634273-G-A.
Other names: short protein forms H31Y.
Identifiers: ClinVar variation 1968335 (VCV001968335.5), dbSNP rs2510094842, ClinGen allele CA391622165.